The following is an entry in ClinVar:

NM_001270.4(CHD1):c.3337G>A (p.Gly1113Arg)

Gene: CHD1 (chromodomain helicase DNA binding protein 1; minus strand). Cytogenetic location: 5q15.
Variant type: single nucleotide variant.
Coding change: c.3337G>A on transcript NM_001270.4 (MANE Select); coding-DNA position 3337, G replaced by A.
Protein change: p.Gly1113Arg; replaces glycine 1113 with arginine.
Molecular consequence: missense variant. On other transcripts: non-coding transcript variant (2).
Genome position (GRCh38, 1-based): chr5:98,876,459, C>T on the plus strand (G>A on the coding strand, the complement: CHD1 is on the minus strand). VCF-style: chr5-98876459-C-T. GRCh37 (hg19) VCF-style: chr5-98212163-C-T.
Other names: c.3337G>A, p.Gly1113Arg (NM_001364113.3, NM_001376194.2); short protein forms G1113R.
Identifiers: ClinVar variation 996964 (VCV000996964.3), dbSNP rs1749765020, ClinGen allele CA360524887.
Genomic context (GRCh38, chr5:98,876,459, plus strand): 5'-GCCTAATTTCTGCATCACTAAATCCTTTAATATTCTCCCGAGGAATAGTCCGTGGTCTTC[C>T]ACGTTTCTTTGGCCTTTTCCCTTCTGAGATGGAATCACTATCAGATCCAGAGTATCTCCT-3'
Protein context (NP_001261.2, residues 1103-1123): ISEGKRPKKR[Gly1113Arg]RPRTIPRENI

ClinVar aggregate classification (germline): Uncertain significance. Review status: criteria provided, multiple submitters, no conflicts (2 of 4 stars). 2 submissions from 2 submitters: Uncertain significance (2). Last evaluated 2026-03-25.

Conditions:
Pilarowski-Bjornsson syndrome. Also called: DEVELOPMENTAL DELAY AND SPEECH APRAXIA WITH OR WITHOUT SEIZURES. Identifiers: Orphanet 529965, MedGen C4540131, MONDO:0060568, OMIM 617682.

Submissions (2):

GeneDx
Classification: Uncertain significance. Last evaluated: 2026-03-25. Review status: criteria provided, single submitter. Criteria: GeneDx Variant Classification Process June 2021. Collection method: clinical testing. Allele origin: germline.
Comment: Not observed at significant frequency in large population cohorts (gnomAD); In silico analysis supports that this missense variant has a deleterious effect on protein structure/function; Has not been previously published as pathogenic or benign to our knowledge

New York Genome Center
Classification: Uncertain significance for Pilarowski-Bjornsson syndrome. Last evaluated: 2020-04-20. Review status: criteria provided, single submitter. Criteria: NYGC Assertion Criteria 2020. Collection method: clinical testing. Allele origin: germline. Inheritance: Autosomal dominant inheritance. Observed: 1 heterozygote. Study: CSER-NYCKidSeq.
Comment: The heterozygous c.3337G>A (p.Gly1113Arg) variant identified in the CHD1 gene substitutes a completely conserved Glycine for Arginine at amino acid 1113/1711 (coding exon24/36). This variant is absent from gnomAD suggesting it is not a common benign variant in the populations represented in this database. In silico algorithms predict it to be Deleterious (Provean; score:-6.27) and Damaging (SIFT; score:0.045) to the function of the canonical transcript. This variant is absent from ClinVar and to our current knowledge has not been reported in affected individuals inthe literature. The p.Gly1113 residue is not within a mapped domain of CHD1 (UniProtKB: O14646). Given the lack of compelling evidence for its pathogenicity, the c.3337G>A (p.Gly1113Arg) variant identified in the CHD1 gene is reported here as a Variant of Uncertain Significance.